The following is an entry in ClinVar:

ClinVar aggregate classification (germline): Likely pathogenic (1 of 4 stars; one submission).

Conditions:
Dilated cardiomyopathy 1G (CMD1G). Identifiers: Orphanet 154, MedGen C1858763, MONDO:0011400, OMIM 604145.
Autosomal recessive limb-girdle muscular dystrophy type 2J (LGMDR10). Also called: Limb-girdle muscular dystrophy, type 2J; MUSCULAR DYSTROPHY, LIMB-GIRDLE, AUTOSOMAL RECESSIVE 10. Identifiers: Orphanet 140922, MedGen C1837342, MONDO:0012127, OMIM 608807.

Submission:

Labcorp Genetics (formerly Invitae), Labcorp
Classification: Likely pathogenic for Dilated cardiomyopathy 1G; Autosomal recessive limb-girdle muscular dystrophy type 2J. Last evaluated: 2020-05-04. Review status: criteria provided, single submitter. Criteria: Invitae Variant Classification Sherloc (09022015). Collection method: clinical testing. Allele origin: germline.
Comment: This sequence change results in a premature translational stop signal in the TTN gene (p.Tyr25574*). While this is not anticipated to result in nonsense mediated decay, it is expected to create a truncated TTN protein. This variant is not present in population databases (ExAC no frequency). This variant has not been reported in the literature in individuals with TTN-related conditions. This variant is located in the A band of TTN (PMID: 25589632). Truncating variants in this region are significantly overrepresented in patients affected with dilated cardiomyopathy (PMID: 25589632). Truncating variants in this region have also been reported in individuals affected with autosomal recessive centronuclear myopathy (PMID: 23975875). In summary, the currently available evidence indicates that the variant is pathogenic, but additional data are needed to prove that conclusively. Therefore, this variant has been classified as Likely Pathogenic.

Literature cited by the submitters: PubMed 25589632; PubMed 23975875.

NM_001267550.2(TTN):c.76722T>A (p.Tyr25574Ter)

Genes: TTN (titin; minus strand), TTN-AS1 (TTN antisense RNA 1; plus strand). Cytogenetic location: 2q31.2.
Variant type: single nucleotide variant.
Coding change: c.76722T>A on transcript NM_001267550.2 (MANE Select); coding-DNA position 76722, T replaced by A.
Protein change: p.Tyr25574Ter; replaces tyrosine 25574 with a stop codon.
Molecular consequence: nonsense.
Genome position (GRCh38, 1-based): chr2:178,569,410, A>T on the plus strand (T>A on the coding strand, the complement: TTN is on the minus strand). VCF-style: chr2-178569410-A-T. GRCh37 (hg19) VCF-style: chr2-179434137-A-T.
Other names: c.71799T>A, p.Tyr23933Ter (NM_001256850.1); c.49527T>A, p.Tyr16509Ter (NM_003319.4); c.69018T>A, p.Tyr23006Ter (NM_133378.4); c.49902T>A, p.Tyr16634Ter (NM_133432.3); c.50103T>A, p.Tyr16701Ter (NM_133437.4); short protein forms Y16509*, Y16634*, Y16701*, Y23006*, Y23933*, Y25574*.
Identifiers: ClinVar variation 1067280 (VCV001067280.9), dbSNP rs55696153, ClinGen allele CA349614277.